The following is an entry in ClinVar:

NM_003036.4(SKI):c.1990T>C (p.Ser664Pro)

Gene: SKI (SKI proto-oncogene; plus strand). Cytogenetic location: 1p36.32.
Variant type: single nucleotide variant.
Coding change: c.1990T>C on transcript NM_003036.4 (MANE Select); coding-DNA position 1990, T replaced by C.
Protein change: p.Ser664Pro; replaces serine 664 with proline.
Molecular consequence: missense variant.
Genome position (GRCh38, 1-based): chr1:2,306,242, T>C. VCF-style: chr1-2306242-T-C. GRCh37 (hg19) VCF-style: chr1-2237681-T-C.
Other names: short protein forms S664P.
Identifiers: ClinVar variation 4864532 (VCV004864532.1).

ClinVar aggregate classification (germline): Uncertain significance (1 of 4 stars; one submission).

Conditions:
Familial thoracic aortic aneurysm and aortic dissection (TAAD). Also called: Thoracic aortic aneurysms and dissections. Identifiers: Orphanet 91387, MedGen C4707243, MONDO:0019625.

Submission:

Ambry Genetics
Classification: Uncertain significance for Familial thoracic aortic aneurysm and aortic dissection. Last evaluated: 2026-04-27. Review status: criteria provided, single submitter. Criteria: Ambry Variant Classification Scheme 2023. Collection method: clinical testing. Allele origin: germline.
Comment: The p.S664P variant (also known as c.1990T>C), located in coding exon 6 of the SKI gene, results from a T to C substitution at nucleotide position 1990. The serine at codon 664 is replaced by proline, an amino acid with similar properties. This amino acid position is conserved. In addition, this alteration is predicted to be deleterious by in silico analysis. Based on the available evidence, the clinical significance of this variant remains unclear.